The following is an entry in ClinVar:

ClinVar aggregate classification (germline): Benign. Review status: criteria provided, single submitter (1 of 4 stars). 2 submissions from 2 submitters: Benign (1). 1 of the submissions does not count toward it. Last evaluated 2023-08-04.

Conditions:
SIX3-related disorder. Also called: SIX3-related condition; SIX3-Related Disorders.
Holoprosencephaly 2 (HPE2). Identifiers: Orphanet 2162, MedGen C1834877, MONDO:0007999, OMIM 157170.

Allele frequency attached by ClinVar (database versions not stated): gnomAD exomes 0.00006 and 0.00022; gnomAD 0.00007 and 0.00008; TOPMed 0.00015; 1000 Genomes Project 30x 0.00016; 1000 Genomes Project 0.00020; ExAC 0.00050.
gnomAD v4.1: 102 of 1,578,640 alleles (0.0065%); highest among the groups gnomAD compares: East Asian, 0.18%; no homozygotes.

Submissions (2):

Labcorp Genetics (formerly Invitae), Labcorp
Classification: Benign for Holoprosencephaly 2. Last evaluated: 2023-08-04. Review status: criteria provided, single submitter. Criteria: Invitae Variant Classification Sherloc (09022015). Collection method: clinical testing. Allele origin: germline.

PreventionGenetics, part of Exact Sciences
Classification: Likely benign for SIX3-related condition. Last evaluated: 2023-04-20. Review status: no assertion criteria provided. Collection method: clinical testing. Allele origin: germline. Not counted in ClinVar's aggregate classification.
Comment: This variant is classified as likely benign based on ACMG/AMP sequence variant interpretation guidelines (Richards et al. 2015 PMID: 25741868, with internal and published modifications).

NM_005413.4(SIX3):c.830C>A (p.Pro277Gln)

Gene: SIX3 (SIX homeobox 3; plus strand). Cytogenetic location: 2p21.
Variant type: single nucleotide variant.
Coding change: c.830C>A on transcript NM_005413.4 (MANE Select); coding-DNA position 830, C replaced by A.
Protein change: p.Pro277Gln; replaces proline 277 with glutamine.
Molecular consequence: missense variant.
Genome position (GRCh38, 1-based): chr2:44,944,591, C>A. VCF-style: chr2-44944591-C-A. GRCh37 (hg19) VCF-style: chr2-45171730-C-A.
Other names: short protein forms P277Q.
Identifiers: ClinVar variation 783177 (VCV000783177.11), dbSNP rs575632344, ClinGen allele CA1642397.
Genomic context (GRCh38, chr2:44,944,591, plus strand): 5'-CTGTGTCAGGGCGGGCGCGGATCTCTTTCTCCCGCAGGCTCCAGCACCAGGCCATTGGAC[C>A]GAGCGGCATGCGCTCGCTGGCCGAGCCCGGCTGCCCCACGCACGGCTCGGCAGAGTCGCC-3'
Protein context (NP_005404.1, residues 267-287): KNRLQHQAIG[Pro277Gln]SGMRSLAEPG